The following is an entry in ClinVar:

NM_139055.4(ADAMTS15):c.369C>T (p.Leu123=)

Gene: ADAMTS15 (ADAM metallopeptidase with thrombospondin type 1 motif 15; plus strand). Cytogenetic location: 11q24.3.
Variant type: single nucleotide variant.
Coding change: c.369C>T on transcript NM_139055.4 (MANE Select); coding-DNA position 369, C replaced by T.
Protein change: p.Leu123=; no amino-acid change (leucine 123 retained).
Molecular consequence: synonymous variant.
Genome position (GRCh38, 1-based): chr11:130,449,342, C>T. VCF-style: chr11-130449342-C-T. GRCh37 (hg19) VCF-style: chr11-130319237-C-T.
Identifiers: ClinVar variation 4873538 (VCV004873538.2).
Genomic context (GRCh38, chr11:130,449,342, plus strand): 5'-TTCTGGGGACGTGAACGCCGAGCCGGACTCGTTCGCTGCTGTGAGCCTGTGCGGGGGGCT[C>T]CGCGGAGCCTTTGGCTACCGAGGCGCCGAGTATGTCATTAGCCCGCTGCCCAATGCTAGC-3'
Protein context (NP_620686.1, residues 113-133): SFAAVSLCGG[Leu123=]RGAFGYRGAE

ClinVar aggregate classification (germline): Likely benign (1 of 4 stars; one submission).

gnomAD v4.1: 58 of 1,608,202 alleles (0.0036%); highest among the groups gnomAD compares: Admixed American, 0.095%; no homozygotes.

Submission:

CeGaT Center for Human Genetics Tuebingen
Classification: Likely benign. Last evaluated: 2026-04-01. Review status: criteria provided, single submitter. Criteria: CeGaT Center For Human Genetics Tuebingen Variant Classification Criteria Version 2. Collection method: clinical testing. Allele origin: germline. Affected: yes. Observed: 1 variant allele.
Comment: ADAMTS15: BP4, BP7